The following is an entry in ClinVar:

NM_002474.3(MYH11):c.5875G>A (p.Asp1959Asn)

Genes: NDE1 (nudE neurodevelopment protein 1; plus strand), MYH11 (myosin heavy chain 11; minus strand). Cytogenetic location: 16p13.11.
Variant type: single nucleotide variant.
Coding change: c.5875G>A on transcript NM_002474.3 (MANE Select); coding-DNA position 5875, G replaced by A.
Protein change: p.Asp1959Asn; replaces aspartic acid 1959 with asparagine.
Molecular consequence: missense variant. On other transcripts: 3 prime UTR variant (2), intron variant (2).
Genome position (GRCh38, 1-based): chr16:15,704,035, C>T on the plus strand (G>A on the coding strand, the complement: MYH11 is on the minus strand). VCF-style: chr16-15704035-C-T. GRCh37 (hg19) VCF-style: chr16-15797892-C-T.
Other names: c.*97G>A (NM_001040113.2, NM_022844.3); c.5896G>A, p.Asp1966Asn (NM_001040114.2); c.947+7175C>T (NM_001143979.2, NM_017668.3); short protein forms D1959N, D1966N.
Identifiers: ClinVar variation 3876296 (VCV003876296.1).

ClinVar aggregate classification (germline): Uncertain significance (1 of 4 stars; one submission).

Conditions:
Familial thoracic aortic aneurysm and aortic dissection (TAAD). Also called: Thoracic aortic aneurysms and dissections. Identifiers: Orphanet 91387, MedGen C4707243, MONDO:0019625.

Submission:

Ambry Genetics
Classification: Uncertain significance for Familial thoracic aortic aneurysm and aortic dissection. Last evaluated: 2025-01-16. Review status: criteria provided, single submitter. Criteria: Ambry Variant Classification Scheme 2023. Collection method: clinical testing. Allele origin: germline.
Comment: The p.D1959N variant (also known as c.5875G>A), located in coding exon 40 of the MYH11 gene, results from a G to A substitution at nucleotide position 5875. The aspartic acid at codon 1959 is replaced by asparagine, an amino acid with highly similar properties. This amino acid position is conserved. In addition, this alteration is predicted to be tolerated by in silico analysis. Based on the available evidence, the clinical significance of this variant remains unclear.